The following is an entry in ClinVar:

ClinVar aggregate classification (germline): Uncertain significance. Review status: criteria provided, multiple submitters, no conflicts (2 of 4 stars). 2 submissions from 2 submitters: Uncertain significance (2). Last evaluated 2024-01-21.

Conditions:
Hereditary cancer-predisposing syndrome. Also called: Neoplastic Syndromes, Hereditary; Hereditary neoplastic syndrome; Tumor predisposition; Hereditary Cancer Syndrome. Identifiers: Orphanet 140162, MedGen C0027672, MeSH D009386, MONDO:0015356.
Familial cancer of breast. Also called: Hereditary breast cancer; BREAST CANCER, FAMILIAL; hereditary breast carcinoma. Identifiers: Orphanet 227535, MedGen C0346153, MONDO:0016419, OMIM 114480. Disease mechanism: loss of function.

Submissions (2):

Ambry Genetics
Classification: Uncertain significance for Hereditary cancer-predisposing syndrome. Last evaluated: 2024-01-21. Review status: criteria provided, single submitter. Criteria: Ambry Variant Classification Scheme 2023. Collection method: clinical testing. Allele origin: germline.
Comment: The p.L337F variant (also known as c.1011A>T), located in coding exon 4 of the PALB2 gene, results from an A to T substitution at nucleotide position 1011. The leucine at codon 337 is replaced by phenylalanine, an amino acid with highly similar properties. This amino acid position is conserved. In addition, this alteration is predicted to be tolerated by in silico analysis. Based on the available evidence, the clinical significance of this alteration remains unclear.

Labcorp Genetics (formerly Invitae), Labcorp
Classification: Uncertain significance for Familial cancer of breast. Last evaluated: 2023-04-19. Review status: criteria provided, single submitter. Criteria: Invitae Variant Classification Sherloc (09022015). Collection method: clinical testing. Allele origin: germline.
Comment: This sequence change replaces leucine, which is neutral and non-polar, with phenylalanine, which is neutral and non-polar, at codon 337 of the PALB2 protein (p.Leu337Phe). In summary, the available evidence is currently insufficient to determine the role of this variant in disease. Therefore, it has been classified as a Variant of Uncertain Significance. Advanced modeling of protein sequence and biophysical properties (such as structural, functional, and spatial information, amino acid conservation, physicochemical variation, residue mobility, and thermodynamic stability) performed at Invitae indicates that this missense variant is not expected to disrupt PALB2 protein function. This variant has not been reported in the literature in individuals affected with PALB2-related conditions. This variant is not present in population databases (gnomAD no frequency).

NM_024675.4(PALB2):c.1011A>T (p.Leu337Phe)

Gene: PALB2 (partner and localizer of BRCA2; minus strand). Cytogenetic location: 16p12.2.
Variant type: single nucleotide variant.
Coding change: c.1011A>T on transcript NM_024675.4 (MANE Select); coding-DNA position 1011, A replaced by T.
Protein change: p.Leu337Phe; replaces leucine 337 with phenylalanine.
Molecular consequence: missense variant. On other transcripts: intron variant (3).
Genome position (GRCh38, 1-based): chr16:23,635,535, T>A on the plus strand (A>T on the coding strand, the complement: PALB2 is on the minus strand). VCF-style: chr16-23635535-T-A. GRCh37 (hg19) VCF-style: chr16-23646856-T-A.
Other names: c.951A>T, p.Leu317Phe (NM_001407296.1); c.1011A>T, p.Leu337Phe (NM_001407297.1, NM_001407298.1, NM_001407299.1 and 3 more transcripts); c.126A>T, p.Leu42Phe (NM_001407304.1, NM_001407305.1, NM_001407306.1 and 5 more transcripts); c.48+5575A>T (NM_001407314.1); c.-104-5066A>T (NM_001407313.1, NM_001407312.1); short protein forms L337F, L317F, L42F.
Identifiers: ClinVar variation 2857511 (VCV002857511.4), dbSNP rs2506492406, ClinGen allele CA395134465.